The following is an entry in ClinVar:

NM_021930.6(RINT1):c.1528A>C (p.Lys510Gln)

Gene: RINT1 (RAD50 interactor 1; plus strand). Cytogenetic location: 7q22.3.
Variant type: single nucleotide variant.
Coding change: c.1528A>C on transcript NM_021930.6 (MANE Select); coding-DNA position 1528, A replaced by C.
Protein change: p.Lys510Gln; replaces lysine 510 with glutamine.
Molecular consequence: missense variant.
Genome position (GRCh38, 1-based): chr7:105,555,084, A>C. VCF-style: chr7-105555084-A-C. GRCh37 (hg19) VCF-style: chr7-105195531-A-C.
Other names: c.1294A>C, p.Lys432Gln (NM_001346599.2); c.505A>C, p.Lys169Gln (NM_001346600.2, NM_001346603.2); c.604A>C, p.Lys202Gln (NM_001346601.2); short protein forms K432Q, K510Q, K169Q, K202Q.
Identifiers: ClinVar variation 1953317 (VCV001953317.5), dbSNP rs2485149460, ClinGen allele CA368811462.

ClinVar aggregate classification (germline): Uncertain significance (1 of 4 stars; one submission).

Submission:

Labcorp Genetics (formerly Invitae), Labcorp
Classification: Uncertain significance. Last evaluated: 2021-12-24. Review status: criteria provided, single submitter. Criteria: Invitae Variant Classification Sherloc (09022015). Collection method: clinical testing. Allele origin: germline.
Comment: This variant has not been reported in the literature in individuals affected with RINT1-related conditions. Algorithms developed to predict the effect of missense changes on protein structure and function are either unavailable or do not agree on the potential impact of this missense change (SIFT: "Tolerated"; PolyPhen-2: "Possibly Damaging"; Align-GVGD: "Class C0"). In summary, the available evidence is currently insufficient to determine the role of this variant in disease. Therefore, it has been classified as a Variant of Uncertain Significance. This variant is not present in population databases (gnomAD no frequency). This sequence change replaces lysine, which is basic and polar, with glutamine, which is neutral and polar, at codon 510 of the RINT1 protein (p.Lys510Gln).